The following is an entry in ClinVar:

ClinVar aggregate classification (germline): Uncertain significance (1 of 4 stars; one submission).

Conditions:
Polymicrogyria, perisylvian, with cerebellar hypoplasia and arthrogryposis (NEDSPLB). Identifiers: MedGen C4225295, MONDO:0014679, OMIM 616531.

Submission:

Baylor Genetics
Classification: Uncertain significance for Polymicrogyria, perisylvian, with cerebellar hypoplasia and arthrogryposis. Last evaluated: 2018-11-15. Review status: criteria provided, single submitter. Criteria: ACMG Guidelines, 2015. Collection method: clinical testing. Allele origin: paternal. Affected: yes.
Comment: This variant was determined to be of uncertain significance according to ACMG Guidelines, 2015 [PMID:25741868].

NM_058004.4(PI4KA):c.2684C>T (p.Ser895Phe)

Gene: PI4KA (phosphatidylinositol 4-kinase alpha; minus strand). Cytogenetic location: 22q11.21.
Variant type: single nucleotide variant.
Coding change: c.2684C>T on transcript NM_058004.4 (MANE Select); coding-DNA position 2684, C replaced by T.
Protein change: p.Ser895Phe; replaces serine 895 with phenylalanine.
Molecular consequence: missense variant.
Genome position (GRCh38, 1-based): chr22:20,764,841, G>A on the plus strand (C>T on the coding strand, the complement: PI4KA is on the minus strand). VCF-style: chr22-20764841-G-A. GRCh37 (hg19) VCF-style: chr22-21119129-G-A.
Other names: c.2684C>T, p.Ser895Phe (NM_001362862.2); c.2618C>T, p.Ser873Phe (NM_001362863.2); short protein forms S873F, S895F.
Identifiers: ClinVar variation 1033028 (VCV001033028.1), dbSNP rs1932362121, ClinGen allele CA410766652.